The following is an entry in ClinVar:

ClinVar aggregate classification (germline): Uncertain significance (1 of 4 stars; one submission).

Conditions:
Duchenne muscular dystrophy (DMD). Also called: MUSCULAR DYSTROPHY, PSEUDOHYPERTROPHIC PROGRESSIVE, DUCHENNE TYPE; Duchenne Muscular Dystrophy (DMD). Identifiers: Orphanet 98896, MedGen C0013264, MONDO:0010679, OMIM 310200.

Allele frequency attached by ClinVar (database versions not stated): gnomAD exomes below 0.00001.
gnomAD v4.1: 1 of 1,207,842 alleles (0.000083%); highest among the groups gnomAD compares: Non-Finnish European, 0.00011%; no homozygotes.

Submission:

Labcorp Genetics (formerly Invitae), Labcorp
Classification: Uncertain significance for Duchenne muscular dystrophy. Last evaluated: 2022-03-25. Review status: criteria provided, single submitter. Criteria: Invitae Variant Classification Sherloc (09022015). Collection method: clinical testing. Allele origin: germline.
Comment: In summary, the available evidence is currently insufficient to determine the role of this variant in disease. Therefore, it has been classified as a Variant of Uncertain Significance. Algorithms developed to predict the effect of missense changes on protein structure and function (SIFT, PolyPhen-2, Align-GVGD) all suggest that this variant is likely to be disruptive. This sequence change replaces glutamic acid, which is acidic and polar, with glutamine, which is neutral and polar, at codon 468 of the DMD protein (p.Glu468Gln). This variant is not present in population databases (gnomAD no frequency). This variant has not been reported in the literature in individuals affected with DMD-related conditions.

NM_004006.3(DMD):c.1402G>C (p.Glu468Gln)

Gene: DMD (dystrophin; minus strand). Cytogenetic location: Xp21.1.
Variant type: single nucleotide variant.
Coding change: c.1402G>C on transcript NM_004006.3 (MANE Select); coding-DNA position 1402, G replaced by C.
Protein change: p.Glu468Gln; replaces glutamic acid 468 with glutamine.
Molecular consequence: missense variant.
Genome position (GRCh38, 1-based): chrX:32,614,383, C>G on the plus strand (G>C on the coding strand, the complement: DMD is on the minus strand). VCF-style: chrX-32614383-C-G. GRCh37 (hg19) VCF-style: chrX-32632500-C-G.
Other names: c.1378G>C, p.Glu460Gln (NM_000109.4); c.1390G>C, p.Glu464Gln (NM_004009.3); c.1033G>C, p.Glu345Gln (NM_004010.3); short protein forms E345Q, E460Q, E464Q, E468Q.
Identifiers: ClinVar variation 1977606 (VCV001977606.5), dbSNP rs2519182152, ClinGen allele CA412670056.